The following is an entry in ClinVar:

ClinVar aggregate classification (germline): Uncertain significance (1 of 4 stars; one submission).

Submission:

Labcorp Genetics (formerly Invitae), Labcorp
Classification: Uncertain significance. Last evaluated: 2025-08-03. Review status: criteria provided, single submitter. Criteria: Invitae Variant Classification Sherloc (09022015). Collection method: clinical testing. Allele origin: germline.
Comment: This sequence change replaces proline, which is neutral and non-polar, with alanine, which is neutral and non-polar, at codon 1900 of the NIN protein (p.Pro1900Ala). This variant is not present in population databases (gnomAD no frequency). This variant has not been reported in the literature in individuals affected with NIN-related conditions. An algorithm developed to predict the effect of missense changes on protein structure and function (PolyPhen-2) suggests that this variant is likely to be tolerated. In summary, the available evidence is currently insufficient to determine the role of this variant in disease. Therefore, it has been classified as a Variant of Uncertain Significance.

NM_020921.4(NIN):c.5698C>G (p.Pro1900Ala)

Gene: NIN (ninein; minus strand). Cytogenetic location: 14q22.1.
Variant type: single nucleotide variant.
Coding change: c.5698C>G on transcript NM_020921.4 (MANE Select); coding-DNA position 5698, C replaced by G.
Protein change: p.Pro1900Ala; replaces proline 1900 with alanine.
Molecular consequence: missense variant.
Genome position (GRCh38, 1-based): chr14:50,738,217, G>C on the plus strand (C>G on the coding strand, the complement: NIN is on the minus strand). VCF-style: chr14-50738217-G-C. GRCh37 (hg19) VCF-style: chr14-51204935-G-C.
Other names: c.3559C>G, p.Pro1187Ala (NM_016350.5); c.5698C>G, p.Pro1900Ala (NM_182944.3, NM_182946.2); short protein forms P1900A, P1187A.
Identifiers: ClinVar variation 4701537 (VCV004701537.1).
Genomic context (GRCh38, chr14:50,738,217, plus strand): 5'-ATTGTTCTTTCTGAAACTGATCACACTCTCTCTTTAAGCTCAATTTTTCTTGCTCTGTGG[G>C]ATTCATGGTACCTGATGGGTTTAGATGTTTTTGGTGCTTGGGAAGAAGATTGGATTCCAA-3'
Protein context (NP_065972.4, residues 1890-1910): KHLNPSGTMN[Pro1900Ala]TEQEKLSLKR